The following is an entry in ClinVar:

NM_004655.4(AXIN2):c.1713C>T (p.Gly571=)

Gene: AXIN2 (axin 2; minus strand). Cytogenetic location: 17q24.1.
Variant type: single nucleotide variant.
Coding change: c.1713C>T on transcript NM_004655.4 (MANE Select); coding-DNA position 1713, C replaced by T.
Protein change: p.Gly571=; no amino-acid change (glycine 571 retained).
Molecular consequence: synonymous variant. On other transcripts: intron variant (1).
Genome position (GRCh38, 1-based): chr17:65,537,063, G>A on the plus strand (C>T on the coding strand, the complement: AXIN2 is on the minus strand). VCF-style: chr17-65537063-G-A. GRCh37 (hg19) VCF-style: chr17-63533181-G-A.
Other names: c.1713C>T (LRG_296t1); c.1712+261C>T (NM_001363813.1).
Identifiers: ClinVar variation 220696 (VCV000220696.17), dbSNP rs761978806, ClinGen allele CA350096.

ClinVar aggregate classification (germline): Conflicting classifications of pathogenicity. Review status: criteria provided, conflicting classifications (1 of 4 stars). 5 submissions from 5 submitters: Uncertain significance (1); Likely benign (4). Last evaluated 2025-10-03.

Conditions:
Hereditary cancer-predisposing syndrome. Also called: Hereditary neoplastic syndrome; Tumor predisposition; Hereditary Cancer Syndrome; Neoplastic Syndromes, Hereditary. Identifiers: Orphanet 140162, MedGen C0027672, MeSH D009386, MONDO:0015356.
Oligodontia-cancer predisposition syndrome. Also called: TOOTH AGENESIS-COLORECTAL CANCER SYNDROME. Identifiers: Orphanet 300576, MedGen C1837750, MONDO:0012075, OMIM 608615. Disease mechanism: loss of function.

Allele frequency attached by ClinVar (database versions not stated): ExAC 0.00001; gnomAD exomes 0.00001; TOPMed 0.00005.
gnomAD v4.1: 14 of 1,602,410 alleles (0.00087%); highest among the groups gnomAD compares: African/African-American, 0.008%; no homozygotes.

Submissions (5):

Labcorp Genetics (formerly Invitae), Labcorp
Classification: Likely benign for Oligodontia-cancer predisposition syndrome. Last evaluated: 2025-10-03. Review status: criteria provided, single submitter. Criteria: Invitae Variant Classification Sherloc (09022015). Collection method: clinical testing. Allele origin: germline.

Sema4
Classification: Likely benign for Hereditary cancer-predisposing syndrome. Last evaluated: 2021-04-13. Review status: criteria provided, single submitter. Criteria: Sema4 Curation Guidelines. Collection method: curation. Allele origin: germline.

Ambry Genetics
Classification: Likely benign for Hereditary cancer-predisposing syndrome. Last evaluated: 2019-04-01. Review status: criteria provided, single submitter. Criteria: Ambry Variant Classification Scheme 2023. Collection method: clinical testing. Allele origin: germline.

Illumina Laboratory Services, Illumina
Classification: Uncertain significance for Oligodontia-cancer predisposition syndrome. Last evaluated: 2018-01-13. Review status: criteria provided, single submitter. Criteria: ICSL Variant Classification Criteria 13 December 2019. Collection method: clinical testing. Allele origin: germline.

GeneDx
Classification: Likely benign. Last evaluated: 2016-02-09. Review status: criteria provided, single submitter. Criteria: GeneDx Variant Classification (06012015). Collection method: clinical testing. Allele origin: germline. Affected: yes.
Comment: This variant is considered likely benign or benign based on one or more of the following criteria: it is a conservative change, it occurs at a poorly conserved position in the protein, it is predicted to be benign by multiple in silico algorithms, and/or has population frequency not consistent with disease.